The following is an entry in ClinVar:

ClinVar aggregate classification (germline): Pathogenic/Likely pathogenic. Review status: criteria provided, multiple submitters, no conflicts (2 of 4 stars). 2 submissions from 2 submitters: Pathogenic (1); Likely pathogenic (1). Last evaluated 2024-09-15.

Conditions:
Dystonia 5 (DRD). Also called: GTP Cyclohydrolase 1-Deficient Dopa-Responsive Dystonia; DYSTONIA, PROGRESSIVE, WITH DIURNAL VARIATION; DYSTONIA-PARKINSONISM WITH DIURNAL FLUCTUATION; Dystonia, DOPA-responsive, with or without hyperphenylalaninemia; DYT-GCH1. Identifiers: Orphanet 98808, MedGen C1851920, MONDO:0007495, OMIM 128230.
GTP cyclohydrolase I deficiency. Identifiers: MedGen C0268467, MONDO:0100184.

Submissions (2):

Labcorp Genetics (formerly Invitae), Labcorp
Classification: Pathogenic for GTP cyclohydrolase I deficiency; Dystonia 5. Last evaluated: 2024-09-15. Review status: criteria provided, single submitter. Criteria: Invitae Variant Classification Sherloc (09022015). Collection method: clinical testing. Allele origin: germline.
Comment: This sequence change replaces glutamine, which is neutral and polar, with arginine, which is basic and polar, at codon 180 of the GCH1 protein (p.Gln180Arg). This variant is not present in population databases (gnomAD no frequency). This missense change has been observed in individuals with autosomal dominant GCH1-related conditions (PMID: 10825351; internal data). It has also been observed to segregate with disease in related individuals. ClinVar contains an entry for this variant (Variation ID: 577096). An algorithm developed to predict the effect of missense changes on protein structure and function (PolyPhen-2) suggests that this variant is likely to be disruptive. This variant disrupts the p.Gln180 amino acid residue in GCH1. Other variant(s) that disrupt this residue have been observed in individuals with GCH1-related conditions (PMID: 19491146), which suggests that this may be a clinically significant amino acid residue. For these reasons, this variant has been classified as Pathogenic.

GeneDx
Classification: Likely pathogenic. Last evaluated: 2022-06-10. Review status: criteria provided, single submitter. Criteria: GeneDx Variant Classification Process June 2021. Collection method: clinical testing. Allele origin: germline. Affected: yes.
Comment: Previously reported in two siblings with dopa-responsive dystonia in the published literature (Tassin et al., 2000); In silico analysis supports that this missense variant has a deleterious effect on protein structure/function; Not observed at significant frequency in large population cohorts (gnomAD); This variant is associated with the following publications: (PMID: 26206375, 10825351)

Literature cited by the submitters: PubMed 10825351 (cited by Labcorp Genetics (formerly Invitae), Labcorp); PubMed 19491146 (cited by Labcorp Genetics (formerly Invitae), Labcorp).

NM_000161.3(GCH1):c.539A>G (p.Gln180Arg)

Gene: GCH1 (GTP cyclohydrolase 1; minus strand). Cytogenetic location: 14q22.2.
Variant type: single nucleotide variant.
Coding change: c.539A>G on transcript NM_000161.3 (MANE Select); coding-DNA position 539, A replaced by G.
Protein change: p.Gln180Arg; replaces glutamine 180 with arginine.
Molecular consequence: missense variant.
Genome position (GRCh38, 1-based): chr14:54,847,101, T>C on the plus strand (A>G on the coding strand, the complement: GCH1 is on the minus strand). VCF-style: chr14-54847101-T-C. GRCh37 (hg19) VCF-style: chr14-55313819-T-C.
Other names: c.539A>G, p.Gln180Arg (NM_001024024.2, NM_001024070.2, NM_001024071.2); short protein forms Q180R.
Identifiers: ClinVar variation 577096 (VCV000577096.10), dbSNP rs1566660298, ClinGen allele CA389787448.